The following is an entry in ClinVar:

NM_017636.4(TRPM4):c.2524A>C (p.Ser842Arg)

Gene: TRPM4 (transient receptor potential cation channel subfamily M member 4; plus strand). Cytogenetic location: 19q13.33.
Variant type: single nucleotide variant.
Coding change: c.2524A>C on transcript NM_017636.4 (MANE Select); coding-DNA position 2524, A replaced by C.
Protein change: p.Ser842Arg; replaces serine 842 with arginine.
Molecular consequence: missense variant. On other transcripts: intron variant (1).
Genome position (GRCh38, 1-based): chr19:49,196,753, A>C. VCF-style: chr19-49196753-A-C. GRCh37 (hg19) VCF-style: chr19-49700010-A-C.
Other names: c.2179A>C, p.Ser727Arg (NM_001321281.2); c.916A>C, p.Ser306Arg (NM_001321282.2); c.2002A>C, p.Ser668Arg (NM_001321283.2); c.1462A>C, p.Ser488Arg (NM_001321285.2); c.2211-3547A>C (NM_001195227.2); short protein forms S306R, S668R, S842R, S488R, S727R.
Identifiers: ClinVar variation 2855349 (VCV002855349.3), dbSNP rs2514180020, ClinGen allele CA406809402.

ClinVar aggregate classification (germline): Uncertain significance (1 of 4 stars; one submission).

Conditions:
Progressive familial heart block type IB (PFHB1B). Identifiers: Orphanet 871, MedGen C1970298, MONDO:0011474, OMIM 604559.

gnomAD v4.1: 1 of 1,549,338 alleles (0.000065%); no homozygotes.

Submission:

Labcorp Genetics (formerly Invitae), Labcorp
Classification: Uncertain significance for Progressive familial heart block type IB. Last evaluated: 2023-04-09. Review status: criteria provided, single submitter. Criteria: Invitae Variant Classification Sherloc (09022015). Collection method: clinical testing. Allele origin: germline.
Comment: In summary, the available evidence is currently insufficient to determine the role of this variant in disease. Therefore, it has been classified as a Variant of Uncertain Significance. An algorithm developed to predict the effect of missense changes on protein structure and function (PolyPhen-2) suggests that this variant is likely to be disruptive. This variant has not been reported in the literature in individuals affected with TRPM4-related conditions. This variant is not present in population databases (gnomAD no frequency). This sequence change replaces serine, which is neutral and polar, with arginine, which is basic and polar, at codon 842 of the TRPM4 protein (p.Ser842Arg).